The following is an entry in ClinVar:

NC_000006.11:g.(?_35420323)_(35434122_?)dup

Gene: FANCE (FA complementation group E; plus strand). Cytogenetic location: 6p21.31.
Variant type: Duplication.
Identifiers: ClinVar variation 1441276 (VCV001441276.4).

ClinVar aggregate classification (germline): Uncertain significance (1 of 4 stars; one submission).

Conditions:
Fanconi anemia complementation group E (FANCE). Also called: FANCE-Related Fanconi Anemia. Identifiers: Orphanet 84, MedGen C3160739, MONDO:0010953, OMIM 600901.

Submission:

Labcorp Genetics (formerly Invitae), Labcorp
Classification: Uncertain significance for Fanconi anemia complementation group E. Last evaluated: 2022-05-03. Review status: criteria provided, single submitter. Criteria: Invitae Variant Classification Sherloc (09022015). Collection method: clinical testing. Allele origin: germline.
Comment: A copy number gain of the genomic region encompassing the full coding sequence of the FANCE gene has been identified. The boundaries of this event are unknown as they extend beyond the assayed region for this gene and therefore may encompass additional genes. As the precise location of this event is unknown, it may be in tandem or it may be located elsewhere in the genome. This variant has not been reported in the literature in individuals affected with FANCE-related conditions. In summary, the available evidence is currently insufficient to determine the role of this variant in disease. Therefore, it has been classified as a Variant of Uncertain Significance.